The following is an entry in ClinVar:

NM_017775.3(TTC19):c.-42G>T

Genes: TTC19 (tetratricopeptide repeat domain 19; plus strand), LOC130060311 (ATAC-STARR-seq lymphoblastoid silent region 8214; plus strand). Cytogenetic location: 17p12.
Variant type: single nucleotide variant.
Coding change: c.-42G>T on transcript NM_017775.3; 42 bases upstream of the start codon, G replaced by T.
Genome position (GRCh38, 1-based): chr17:15,999,807, G>T. VCF-style: chr17-15999807-G-T. GRCh37 (hg19) VCF-style: chr17-15903121-G-T.
Identifiers: ClinVar variation 215308 (VCV000215308.5), dbSNP rs769078093, ClinGen allele CA320948.

ClinVar aggregate classification (germline): Pathogenic (1 of 4 stars; one submission).

Allele frequency attached by ClinVar (database versions not stated): gnomAD 0.00001 and below 0.00001.

Submissions (2):

GeneDx
Classification: Pathogenic. Last evaluated: 2013-06-25. Review status: criteria provided, single submitter. Criteria: GeneDx Variant Classification (06012015). Collection method: clinical testing. Allele origin: germline. Affected: yes.
Comment: c.-42G>T of the TTC19 gene (NM_017775.3) This variant is a nonsense mutation in the TTC19 gene is predicted to cause loss of normal protein function either through protein truncation or nonsense-mediated mRNA decay. Although this mutation has not been reported previously to our knowledge, it is expected to be a pathogenic mutation. The variant is found in LSME-MITOP panel(s).

Seelig Lab, University of Washington
No classification provided (evidence only). Review status: no classification provided. Collection method: in vitro. Allele origin: not applicable. Functional consequence: effect on translation. Not counted in ClinVar's aggregate classification.
ClinVar note: "not provided" was previously submitted as the classification for the variant. However, the classification appeared to be based only on an observation of functional data so it was converted to no classification on 2025-07-30.